The following is an entry in ClinVar:

NM_000088.4(COL1A1):c.976G>A (p.Gly326Ser)

Gene: COL1A1 (collagen type I alpha 1 chain; minus strand). Cytogenetic location: 17q21.33.
Variant type: single nucleotide variant.
Coding change: c.976G>A on transcript NM_000088.4 (MANE Select); coding-DNA position 976, G replaced by A.
Protein change: p.Gly326Ser; replaces glycine 326 with serine.
Molecular consequence: missense variant.
Genome position (GRCh38, 1-based): chr17:50,196,181, C>T on the plus strand (G>A on the coding strand, the complement: COL1A1 is on the minus strand). VCF-style: chr17-50196181-C-T. GRCh37 (hg19) VCF-style: chr17-48273542-C-T.
Other names: short protein forms G326S.
Identifiers: ClinVar variation 2847789 (VCV002847789.3), dbSNP rs72645355, ClinGen allele CA291547134.

ClinVar aggregate classification (germline): Pathogenic (1 of 4 stars; one submission).

Conditions:
Osteogenesis imperfecta type I (OI1). Also called: Lobstein's Disease; Lobstein disease; Classic Non-deforming Osteogenesis Imperfecta with Blue Sclerae; OI, TYPE I; OSTEOGENESIS IMPERFECTA TARDA; OSTEOGENESIS IMPERFECTA WITH BLUE SCLERAE. Identifiers: Orphanet 216796, Orphanet 666, MedGen C0023931, MONDO:0008146, OMIM 166200. Disease mechanism: loss of function.

Allele frequency attached by ClinVar (database versions not stated): gnomAD exomes below 0.00001.
gnomAD v4.1: 1 of 1,614,084 alleles (0.000062%); highest among the groups gnomAD compares: Non-Finnish European, 0.000085%; no homozygotes.

Submission:

Labcorp Genetics (formerly Invitae), Labcorp
Classification: Pathogenic for Osteogenesis imperfecta type I. Last evaluated: 2023-03-23. Review status: criteria provided, single submitter. Criteria: Invitae Variant Classification Sherloc (09022015). Collection method: clinical testing. Allele origin: germline.
Comment: This variant disrupts the triple helix domain of COL1A1. Glycine residues within the Gly-Xaa-Yaa repeats of the triple helix domain are required for the structure and stability of fibrillar collagens (PMID: 7695699, 8218237, 19344236). In COL1A1, variants affecting these glycine residues are significantly enriched in individuals with disease (PMID: 9016532, 17078022) compared to the general population (ExAC). This sequence change replaces glycine, which is neutral and non-polar, with serine, which is neutral and polar, at codon 326 of the COL1A1 protein (p.Gly326Ser). This variant is not present in population databases (gnomAD no frequency). This variant has not been reported in the literature in individuals affected with COL1A1-related conditions. Advanced modeling of protein sequence and biophysical properties (such as structural, functional, and spatial information, amino acid conservation, physicochemical variation, residue mobility, and thermodynamic stability) performed at Invitae indicates that this missense variant is expected to disrupt COL1A1 protein function. This variant disrupts the p.Gly326 amino acid residue in COL1A1. Other variant(s) that disrupt this residue have been observed in individuals with COL1A1-related conditions (PMID: 17078022, 33070251), which suggests that this may be a clinically significant amino acid residue. For these reasons, this variant has been classified as Pathogenic.

Literature cited by the submitters: PubMed 7695699; PubMed 8218237; PubMed 19344236; PubMed 9016532; PubMed 17078022; PubMed 33070251.